The following is an entry in ClinVar:

ClinVar aggregate classification (germline): Uncertain significance (1 of 4 stars; one submission).

Submission:

GeneDx
Classification: Uncertain significance. Last evaluated: 2023-11-30. Review status: criteria provided, single submitter. Criteria: GeneDx Variant Classification Process June 2021. Collection method: clinical testing. Allele origin: germline. Affected: yes.
Comment: Has not been previously published as pathogenic or benign to our knowledge; Frameshift variant predicted to result in protein truncation or nonsense mediated decay in a gene or region of a gene for which loss of function is not a well-established mechanism of disease; Not observed at significant frequency in large population cohorts (gnomAD); Variants in candidate genes are classified as variants of uncertain significance in accordance with ACMG guidelines (PMID: 25741868)

NM_006885.4(ZFHX3):c.355dup (p.Glu119fs)

Gene: ZFHX3 (zinc finger homeobox 3; minus strand). Cytogenetic location: 16q22.3.
Variant type: Duplication.
Coding change: c.355dup on transcript NM_006885.4 (MANE Select); coding-DNA position 355, one base duplicated (G; older notation c.355dupG).
Protein change: p.Glu119fs; shifts the reading frame from glutamic acid 119.
Molecular consequence: frameshift variant. On other transcripts: intron variant (1).
Genome position (GRCh38, 1-based): chr16:72,959,791, C duplicated on the plus strand (G on the coding strand, the reverse complement: ZFHX3 is on the minus strand); the first of 2 consecutive C bases (chr16:72,959,791-72,959,792); duplicating either gives the same sequence. VCF-style (leftmost placement, unchanged base first): chr16-72959790-T-TC. GRCh37 (hg19) VCF-style: chr16-72993689-T-TC.
Other names: c.355dup, p.Glu119fs (NM_001386735.1); c.-23-8826dup (NM_001164766.2); short protein forms E119fs.
Identifiers: ClinVar variation 3365201 (VCV003365201.1).
Genomic context (GRCh38, chr16:72,959,790, plus strand): 5'-CCGTCCGGCTGGTAGACGATCTCCCCGGCCAGGTTCTCCACGTCACTCTCCTCGTCCCCC[T>TC]CCTCACCGGTGTCGCTGGCGCTCTCCTCTCTCAGGGGTGGCGGGGGGCGCGCGCTGGGGC-3'